The following is an entry in ClinVar:

NM_004055.5(CAPN5):c.650G>C (p.Arg217Pro)

Gene: CAPN5 (calpain 5; plus strand). Cytogenetic location: 11q13.5.
Variant type: single nucleotide variant.
Coding change: c.650G>C on transcript NM_004055.5 (MANE Select); coding-DNA position 650, G replaced by C.
Protein change: p.Arg217Pro; replaces arginine 217 with proline.
Molecular consequence: missense variant.
Genome position (GRCh38, 1-based): chr11:77,114,385, G>C. VCF-style: chr11-77114385-G-C. GRCh37 (hg19) VCF-style: chr11-76825431-G-C.
Other names: short protein forms R217P.
Identifiers: ClinVar variation 1999692 (VCV001999692.4), dbSNP rs202032027, ClinGen allele CA381938237.
Genomic context (GRCh38, chr11:77,114,385, plus strand): 5'-TCGACCTGACCGAGGGTGACTTTGCCAACGATGAGACTAAGAGGAACCAGCTCTTTGAGC[G>C]CATGTTAAAGGTGCACAGCCGGGGCGGCCTCATCAGTGCCTCCATCAAGGTGAGAACACG-3'
Protein context (NP_004046.2, residues 207-227): DETKRNQLFE[Arg217Pro]MLKVHSRGGL

ClinVar aggregate classification (germline): Uncertain significance (1 of 4 stars; one submission).

Submission:

Labcorp Genetics (formerly Invitae), Labcorp
Classification: Uncertain significance. Last evaluated: 2022-05-27. Review status: criteria provided, single submitter. Criteria: Invitae Variant Classification Sherloc (09022015). Collection method: clinical testing. Allele origin: germline.
Comment: This sequence change replaces arginine, which is basic and polar, with proline, which is neutral and non-polar, at codon 217 of the CAPN5 protein (p.Arg217Pro). This variant is not present in population databases (gnomAD no frequency). This variant has not been reported in the literature in individuals affected with CAPN5-related conditions. Algorithms developed to predict the effect of missense changes on protein structure and function are either unavailable or do not agree on the potential impact of this missense change (SIFT: "Deleterious"; PolyPhen-2: "Probably Damaging"; Align-GVGD: "Class C0"). In summary, the available evidence is currently insufficient to determine the role of this variant in disease. Therefore, it has been classified as a Variant of Uncertain Significance.